The following is an entry in ClinVar:

ClinVar aggregate classification (germline): Uncertain significance (1 of 4 stars; one submission).

Allele frequency attached by ClinVar (database versions not stated): gnomAD 0.00001 and 0.00003; TOPMed 0.00002; 1000 Genomes Project 30x 0.00047; 1000 Genomes Project 0.00060.

Submission:

Labcorp Genetics (formerly Invitae), Labcorp
Classification: Uncertain significance. Last evaluated: 2022-09-27. Review status: criteria provided, single submitter. Criteria: Invitae Variant Classification Sherloc (09022015). Collection method: clinical testing. Allele origin: germline.
Comment: This sequence change replaces methionine, which is neutral and non-polar, with leucine, which is neutral and non-polar, at codon 193 of the SAR1B protein (p.Met193Leu). This variant is present in population databases (rs537197531, gnomAD 0.07%). This variant has not been reported in the literature in individuals affected with SAR1B-related conditions. ClinVar contains an entry for this variant (Variation ID: 1473582). Algorithms developed to predict the effect of missense changes on protein structure and function output the following: SIFT: "Tolerated"; PolyPhen-2: "Benign"; Align-GVGD: "Class C0". The leucine amino acid residue is found in multiple mammalian species, which suggests that this missense change does not adversely affect protein function. In summary, the available evidence is currently insufficient to determine the role of this variant in disease. Therefore, it has been classified as a Variant of Uncertain Significance.

NM_016103.4(SAR1B):c.577A>C (p.Met193Leu)

Gene: SAR1B (secretion associated Ras related GTPase 1B; minus strand). Cytogenetic location: 5q31.1.
Variant type: single nucleotide variant.
Coding change: c.577A>C on transcript NM_016103.4 (MANE Select); coding-DNA position 577, A replaced by C.
Protein change: p.Met193Leu; replaces methionine 193 with leucine.
Molecular consequence: missense variant.
Genome position (GRCh38, 1-based): chr5:134,606,970, T>G on the plus strand (A>C on the coding strand, the complement: SAR1B is on the minus strand). VCF-style: chr5-134606970-T-G. GRCh37 (hg19) VCF-style: chr5-133942660-T-G.
Other names: c.577A>C, p.Met193Leu (NM_001033503.3); short protein forms M193L.
Identifiers: ClinVar variation 1473582 (VCV001473582.5), dbSNP rs537197531, ClinGen allele CA3414397.